The following is an entry in ClinVar:

NM_170682.4(P2RX2):c.970C>T (p.Arg324Cys)

Gene: P2RX2 (purinergic receptor P2X 2; plus strand). Cytogenetic location: 12q24.33.
Variant type: single nucleotide variant.
Coding change: c.970C>T on transcript NM_170682.4 (MANE Select); coding-DNA position 970, C replaced by T.
Protein change: p.Arg324Cys; replaces arginine 324 with cysteine.
Molecular consequence: missense variant.
Genome position (GRCh38, 1-based): chr12:132,621,319, C>T. VCF-style: chr12-132621319-C-T. GRCh37 (hg19) VCF-style: chr12-133197905-C-T.
Other names: c.868C>T, p.Arg290Cys (NM_001282164.2); c.970C>T, p.Arg324Cys (NM_001282165.2, NM_170683.4, NM_174873.3); c.754C>T, p.Arg252Cys (NM_012226.5); c.898C>T, p.Arg300Cys (NM_016318.4); c.694C>T, p.Arg232Cys (NM_174872.3); short protein forms R232C, R252C, R290C, R300C, R324C.
Identifiers: ClinVar variation 2628721 (VCV002628721.4), dbSNP rs762568711, ClinGen allele CA6891738.

ClinVar aggregate classification (germline): Uncertain significance. Review status: criteria provided, multiple submitters, no conflicts (2 of 4 stars). 2 submissions from 2 submitters: Uncertain significance (2). Last evaluated 2024-03-05.

Conditions:
P2RX2-related disorder. Also called: P2RX2-related condition.

Allele frequency attached by ClinVar (database versions not stated): ExAC 0.00004; gnomAD 0.00004; TOPMed 0.00004; gnomAD exomes 0.00011.
gnomAD v4.1: 170 of 1,613,894 alleles (0.011%); highest among the groups gnomAD compares: Non-Finnish European, 0.013%; no homozygotes.

Submissions (2):

Labcorp Genetics (formerly Invitae), Labcorp
Classification: Uncertain significance. Last evaluated: 2024-03-05. Review status: criteria provided, single submitter. Criteria: Invitae Variant Classification Sherloc (09022015). Collection method: clinical testing. Allele origin: germline.
Comment: This sequence change replaces arginine, which is basic and polar, with cysteine, which is neutral and slightly polar, at codon 324 of the P2RX2 protein (p.Arg324Cys). This variant is present in population databases (rs762568711, gnomAD 0.007%). This variant has not been reported in the literature in individuals affected with P2RX2-related conditions. ClinVar contains an entry for this variant (Variation ID: 2628721). Advanced modeling of protein sequence and biophysical properties (such as structural, functional, and spatial information, amino acid conservation, physicochemical variation, residue mobility, and thermodynamic stability) performed at Invitae indicates that this missense variant is expected to disrupt P2RX2 protein function with a positive predictive value of 80%. In summary, the available evidence is currently insufficient to determine the role of this variant in disease. Therefore, it has been classified as a Variant of Uncertain Significance.

PreventionGenetics, part of Exact Sciences
Classification: Uncertain significance for P2RX2-related condition. Last evaluated: 2023-05-31. Review status: criteria provided, single submitter. Criteria: ACMG Guidelines, 2015. Collection method: clinical testing. Allele origin: germline.
Comment: The P2RX2 c.970C>T variant is predicted to result in the amino acid substitution p.Arg324Cys. To our knowledge, this variant has not been reported in the literature. This variant is reported in 0.0077% of alleles in individuals of European (Non-Finnish) descent in gnomAD. At this time, the clinical significance of this variant is uncertain due to the absence of conclusive functional and genetic evidence.